The following is an entry in ClinVar:

ClinVar aggregate classification (germline): Likely benign (1 of 4 stars; one submission).

Conditions:
PKP1-related disorder. Also called: PKP1-related condition.

gnomAD v4.1: 14 of 1,613,912 alleles (0.00087%); highest among the groups gnomAD compares: African/African-American, 0.0067%; no homozygotes.

Submission:

PreventionGenetics, part of Exact Sciences
Classification: Likely benign for PKP1-related condition. Last evaluated: 2026-03-13. Review status: criteria provided, single submitter. Criteria: ACMG Guidelines, 2015. Collection method: clinical testing. Allele origin: germline.
Comment: This variant is classified as likely benign based on ACMG/AMP sequence variant interpretation guidelines (Richards et al. 2015 PMID: 25741868, with internal and published modifications).

NM_001005337.3(PKP1):c.930C>T (p.Ala310=)

Gene: PKP1 (plakophilin 1; plus strand). Cytogenetic location: 1q32.1.
Variant type: single nucleotide variant.
Coding change: c.930C>T on transcript NM_001005337.3 (MANE Select); coding-DNA position 930, C replaced by T.
Protein change: p.Ala310=; no amino-acid change (alanine 310 retained).
Molecular consequence: synonymous variant.
Genome position (GRCh38, 1-based): chr1:201,317,655, C>T. VCF-style: chr1-201317655-C-T. GRCh37 (hg19) VCF-style: chr1-201286783-C-T.
Other names: c.930C>T, p.Ala310= (NM_000299.4).
Identifiers: ClinVar variation 4986853 (VCV004986853.1).